The following is an entry in ClinVar:

NM_001005242.3(PKP2):c.158G>A (p.Ser53Asn)

Gene: PKP2 (plakophilin 2; minus strand). Cytogenetic location: 12p11.21.
Variant type: single nucleotide variant.
Coding change: c.158G>A on transcript NM_001005242.3 (MANE Select); coding-DNA position 158, G replaced by A.
Protein change: p.Ser53Asn; replaces serine 53 with asparagine.
Molecular consequence: missense variant.
Genome position (GRCh38, 1-based): chr12:32,896,574, C>T on the plus strand (G>A on the coding strand, the complement: PKP2 is on the minus strand). VCF-style: chr12-32896574-C-T. GRCh37 (hg19) VCF-style: chr12-33049508-C-T.
Other names: c.158G>A, p.Ser53Asn (NM_004572.4); short protein forms S53N.
Identifiers: ClinVar variation 567091 (VCV000567091.14), dbSNP rs776363973, ClinGen allele CA029551.

ClinVar aggregate classification (germline): Uncertain significance. Review status: criteria provided, multiple submitters, no conflicts (2 of 4 stars). 4 submissions from 4 submitters: Uncertain significance (4). Last evaluated 2024-12-02.

Conditions:
Cardiovascular phenotype. Identifiers: MedGen CN230736.
Arrhythmogenic right ventricular dysplasia 9 (ARVD9). Also called: ARRHYTHMOGENIC RIGHT VENTRICULAR DYSPLASIA, FAMILIAL, 9; Arrhythmogenic Right Ventricular Dysplasia/Cardiomyopathy 9. Identifiers: MedGen C1836906, MONDO:0012180, OMIM 609040.
Cardiomyopathy (CMYO). Also called: Cardiomyopathies. Identifiers: Orphanet 167848, MedGen C0878544, MONDO:0004994, HP:0001638. Inheritance: Various modes of inheritance.

Allele frequency attached by ClinVar (database versions not stated): gnomAD exomes below 0.00001; ExAC 0.00001; gnomAD 0.00001; TOPMed 0.00001.
gnomAD v4.1: 3 of 1,591,026 alleles (0.00019%); highest among the groups gnomAD compares: African/African-American, 0.0027%; no homozygotes.

Submissions (4):

Labcorp Genetics (formerly Invitae), Labcorp
Classification: Uncertain significance for Arrhythmogenic right ventricular dysplasia 9. Last evaluated: 2024-12-02. Review status: criteria provided, single submitter. Criteria: Invitae Variant Classification Sherloc (09022015). Collection method: clinical testing. Allele origin: germline.
Comment: This sequence change replaces serine, which is neutral and polar, with asparagine, which is neutral and polar, at codon 53 of the PKP2 protein (p.Ser53Asn). This variant is not present in population databases (gnomAD no frequency). This variant has not been reported in the literature in individuals affected with PKP2-related conditions. ClinVar contains an entry for this variant (Variation ID: 567091). An algorithm developed to predict the effect of missense changes on protein structure and function outputs the following: PolyPhen-2: "Benign". The asparagine amino acid residue is found in multiple mammalian species, which suggests that this missense change does not adversely affect protein function. In summary, the available evidence is currently insufficient to determine the role of this variant in disease. Therefore, it has been classified as a Variant of Uncertain Significance.

GeneDx
Classification: Uncertain significance. Last evaluated: 2024-06-11. Review status: criteria provided, single submitter. Criteria: GeneDx Variant Classification Process June 2021. Collection method: clinical testing. Allele origin: germline. Affected: yes.
Comment: Reported in association with ARVC; however, detailed clinical information was not provided (PMID: 34120153); Not observed at significant frequency in large population cohorts (gnomAD); In silico analysis indicates that this missense variant does not alter protein structure/function; This variant is associated with the following publications: (PMID: 34120153)

Ambry Genetics
Classification: Uncertain significance for Cardiovascular phenotype. Last evaluated: 2022-10-17. Review status: criteria provided, single submitter. Criteria: Ambry Variant Classification Scheme 2023. Collection method: clinical testing. Allele origin: germline.
Comment: The p.S53N variant (also known as c.158G>A), located in coding exon 1 of the PKP2 gene, results from a G to A substitution at nucleotide position 158. The serine at codon 53 is replaced by asparagine, an amino acid with highly similar properties. This amino acid position is not well conserved in available vertebrate species. In addition, this alteration is predicted to be tolerated by in silico analysis. Since supporting evidence is limited at this time, the clinical significance of this alteration remains unclear.

Color Diagnostics, LLC DBA Color Health
Classification: Uncertain significance for Cardiomyopathy. Last evaluated: 2021-11-17. Review status: criteria provided, single submitter. Criteria: ACMG Guidelines, 2015. Collection method: clinical testing. Allele origin: germline.
Comment: This missense variant replaces serine with asparagine at codon 53 of the PKP2 protein. Computational prediction suggests that this variant may not impact protein structure and function (internally defined REVEL score threshold <= 0.5, PMID: 27666373). To our knowledge, functional studies have not been reported for this variant. This variant has not been reported in individuals affected with cardiovascular disorders in the literature. This variant has been identified in 1/215702 chromosomes in the general population by the Genome Aggregation Database (gnomAD). The available evidence is insufficient to determine the role of this variant in disease conclusively. Therefore, this variant is classified as a Variant of Uncertain Significance.